The following is an entry in ClinVar:

NM_153676.4(USH1C):c.497-4G>A

Gene: USH1C (USH1 protein network component harmonin; minus strand). Cytogenetic location: 11p15.1.
Variant type: single nucleotide variant.
Coding change: c.497-4G>A on transcript NM_153676.4 (MANE Select); 4 bases into the intron before coding-DNA position 497, G replaced by A.
Molecular consequence: intron variant.
Genome position (GRCh38, 1-based): chr11:17,527,044, C>T on the plus strand (G>A on the coding strand, the complement: USH1C is on the minus strand). VCF-style: chr11-17527044-C-T. GRCh37 (hg19) VCF-style: chr11-17548591-C-T.
Other names: c.497-4G>A (NM_001297764.2, NM_005709.4).
Identifiers: ClinVar variation 48018 (VCV000048018.16), dbSNP rs397517881, ClinGen allele CA142385.

ClinVar aggregate classification (germline): Likely benign. Review status: criteria provided, multiple submitters, no conflicts (2 of 4 stars). 5 submissions from 5 submitters: Likely benign (3). 2 of the submissions do not count toward it. Last evaluated 2025-03-28.

Conditions:
USH1C-related disorder. Also called: USH1C-related condition.
Autosomal recessive nonsyndromic hearing loss 18A. Also called: DEAFNESS, AUTOSOMAL RECESSIVE 18; Deafness, autosomal recessive 18A. Identifiers: Orphanet 90636, MedGen C1865870, MONDO:0011192, OMIM 602092.
Usher syndrome type 1C. Also called: USHER SYNDROME, TYPE I, ACADIAN VARIETY. Identifiers: Orphanet 231169, Orphanet 886, MedGen C1848604, MONDO:0010171, OMIM 276904.

Allele frequency attached by ClinVar (database versions not stated): gnomAD 0.00001 and 0.00002; gnomAD exomes 0.00002 and 0.00004; TOPMed 0.00002.
gnomAD v4.1: 57 of 1,554,778 alleles (0.0037%); highest among the groups gnomAD compares: Non-Finnish European, 0.0048%; no homozygotes.

Submissions (5):

PreventionGenetics, part of Exact Sciences
Classification: Likely benign for USH1C-related condition. Last evaluated: 2025-03-28. Review status: criteria provided, single submitter. Criteria: ACMG Guidelines, 2015. Collection method: clinical testing. Allele origin: germline.
Comment: This variant is classified as likely benign based on ACMG/AMP sequence variant interpretation guidelines (Richards et al. 2015 PMID: 25741868, with internal and published modifications).

Labcorp Genetics (formerly Invitae), Labcorp
Classification: Likely benign. Last evaluated: 2024-04-19. Review status: criteria provided, single submitter. Criteria: Invitae Variant Classification Sherloc (09022015). Collection method: clinical testing. Allele origin: germline.

Laboratory for Molecular Medicine, Mass General Brigham Personalized Medicine
Classification: Likely benign. Last evaluated: 2012-04-27. Review status: criteria provided, single submitter. Criteria: LMM Criteria. Collection method: clinical testing. Allele origin: germline. Observed: 1 variant allele.
Comment: 497-4G>A in intron 5 of USH1C: This variant is not expected to have clinical sig nificance because it is not located within the conserved region of the splice co nsensus sequence.

Natera, Inc.
Classification: Uncertain significance for Usher syndrome type 1C. Last evaluated: 2020-04-11. Review status: no assertion criteria provided. Collection method: clinical testing. Allele origin: germline. Not counted in ClinVar's aggregate classification.

Counsyl
Classification: Uncertain significance for Usher syndrome type 1C; Autosomal recessive nonsyndromic hearing loss 18A. Last evaluated: 2017-11-17. Review status: no assertion criteria provided. Collection method: clinical testing. Allele origin: unknown. Not counted in ClinVar's aggregate classification.